The following is an entry in ClinVar:

NM_004004.6(GJB2):c.584T>C (p.Met195Thr)

Gene: GJB2 (gap junction protein beta 2; minus strand). Cytogenetic location: 13q12.11.
Variant type: single nucleotide variant.
Coding change: c.584T>C on transcript NM_004004.6 (MANE Select); coding-DNA position 584, T replaced by C.
Protein change: p.Met195Thr; replaces methionine 195 with threonine.
Molecular consequence: missense variant.
Genome position (GRCh38, 1-based): chr13:20,188,998, A>G on the plus strand (T>C on the coding strand, the complement: GJB2 is on the minus strand). VCF-style: chr13-20188998-A-G. GRCh37 (hg19) VCF-style: chr13-20763137-A-G.
Other names: NM_004004.6(GJB2):c.584T>C; short protein forms M195T.
Identifiers: ClinVar variation 438620 (VCV000438620.18), dbSNP rs1378679640, ClinGen allele CA387460849.
Genomic context (GRCh38, chr13:20,188,998, plus strand): 5'-ATTAGCAAATAACACAATTCAGTGACATTCAGCAGGATGCAAATTCCAGACACTGCAATC[A>G]TGAACACTGTGAAGACAGTCTTCTCCGTGGGCCGGGACACAAAGCAGTCCACAGTGTTGG-3'
Protein context (NP_003995.2, residues 185-205): PTEKTVFTVF[Met195Thr]IAVSGICILL

ClinVar aggregate classification (germline): Likely pathogenic. Review status: reviewed by expert panel (3 of 4 stars). 9 submissions from 9 submitters: Likely pathogenic (1). 8 of the submissions do not count toward it. Last evaluated 2024-05-15.

Conditions:
Nonsyndromic genetic hearing loss. Also called: Nonsyndromic hearing loss and deafness; Non-syndromic genetic deafness; Nonsyndromic genetic deafness. Identifiers: Orphanet 87884, MedGen C5680182, MONDO:0019497.
Autosomal recessive nonsyndromic hearing loss 1A (DFNB1A). Also called: Nonsyndromic Hearing Loss and Deafness, DFNB1; GJB6-Related DFNB 1 Nonsyndromic Hearing Loss and Deafness; Deafness, autosomal recessive 1A; Connexin 26 deafness; Deafness nonsyndromic, Connexin 26 linked; GJB2-Related Autosomal Recessive Nonsyndromic Hearing Loss. Identifiers: Orphanet 90636, MedGen C2673759, MONDO:0009076, OMIM 220290.
Mutilating keratoderma (VOWNKL). Also called: Keratoderma hereditarium mutilans. Identifiers: Orphanet 494, MedGen C0265964, MONDO:0007422, OMIM 124500.
Ichthyosis, hystrix-like, with hearing loss. Also called: Hystrix-like ichthyosis with deafness. Identifiers: Orphanet 477, MedGen C1865234, MONDO:0011245.
Autosomal dominant keratitis-ichthyosis-hearing loss syndrome. Also called: KID SYNDROME, AUTOSOMAL DOMINANT; Senter syndrome; HID SYNDROME. Identifiers: Orphanet 477, MedGen C0265336, MONDO:0007850, OMIM 148210.
Palmoplantar keratoderma-deafness syndrome. Also called: Keratoderma palmoplantar, with deafness; Palmoplantar keratoderma and sensorineural deafness; Hereditary palmoplantar keratoderma with deafness (subtype); Focal palmoplantar keratoderma with sensorineural deafness (subtype); Diffuse palmoplantar keratoderma with deafness (subtype). Identifiers: Orphanet 2202, MedGen C1835672, MONDO:0007852, OMIM 148350.
Knuckle pads, deafness AND leukonychia syndrome. Also called: Bart-Pumphrey syndrome. Identifiers: Orphanet 2698, MedGen C0266004, MONDO:0007866, OMIM 149200.
Autosomal dominant nonsyndromic hearing loss 3A. Identifiers: Orphanet 90635, MedGen C2675750, MONDO:0011103, OMIM 601544.

Allele frequency attached by ClinVar (database versions not stated): gnomAD exomes 0.00001.

Submissions (9):

ClinGen Hearing Loss Variant Curation Expert Panel
Classification: Likely pathogenic for Nonsyndromic genetic hearing loss. Last evaluated: 2024-05-15. Review status: reviewed by expert panel. Criteria: Clingen Hl Acmg Specifications Cdh23 Coch Gjb2 Kcnq4 Myo6 Myo7a Slc26a4 Tecta Ush2a V2. Collection method: curation. Allele origin: germline. Inheritance: Autosomal recessive inheritance.
Comment: The c.584T>C is a missense variant predicted to cause a substitution of methionine by threonine at amino acid 195 (p.Met195Thr). The highest population minor allele frequency in gnomAD v4.1.0 is 0.0022% (4/60018, CI 95%) in the Admixed American population (PM2_Supporting). The c.584T>C variant has been detected in trans with c.35delG in one individual with moderate-severe hearing loss (PMID: 19235794). The computational predictor REVEL gives a score of 0.968 which is above the threshold of 0.7, evidence that correlates with impact to GJB2 function (PP3). Another missense variant c.583G>C (p.Met195Val; ClinVar Variation ID: 22537) in the same codon has been classified as pathogenic for hearing loss by the ClinGen Hearing Loss VCEP (PM5). Analysis in Hela cells demonstrated that the CX26-p.Met195Thr protein formed a gap junction but with significantly decreased dye transfer. Additionally, electrophysiological characterization of the mutant in Xenopus oocytes resulted in a completely non-functional channel (PS3_Moderate; PMID: 23967136). In summary, this variant meets the criteria to be classified as likely pathogenic for autosomal recessive non-syndromic hearing loss based on the ACMG/AMP criteria applied, as specified by the ClinGen Hearing Loss VCEP (PM2_Supporting, PP3, PM3, PM5, PS3_Moderate; Version 2; 5/15/24).

Natera, Inc.
Classification: Likely pathogenic for Autosomal recessive deafness type 1A. Last evaluated: 2025-09-22. Review status: criteria provided, single submitter. Criteria: Natera Variant Classification Schema (03/2026). Collection method: clinical testing. Allele origin: germline. Not counted in ClinVar's aggregate classification.
Comment: The c.584T>C variant in GJB2 is a missense variant predicted to cause substitution of methionine to threonine at amino acid 195. This variant is rare in the general population with a frequency below the threshold expected for the associated phenotype(s). This variant has been observed in one or more individuals affected with the associated recessive disease, as either homozygous or compound heterozygous with a second variant (PMID: 19235794). A different variant at the same position has been determined to be Pathogenic or Likely Pathogenic. Computational prediction algorithms indicate this variant is likely to affect gene or protein function. Given the available evidence, this variant is classified as Likely Pathogenic.

Labcorp Genetics (formerly Invitae), Labcorp
Classification: Likely pathogenic. Last evaluated: 2025-08-29. Review status: criteria provided, single submitter. Criteria: Invitae Variant Classification Sherloc (09022015). Collection method: clinical testing. Allele origin: germline. Not counted in ClinVar's aggregate classification.
Comment: This sequence change replaces methionine, which is neutral and non-polar, with threonine, which is neutral and polar, at codon 195 of the GJB2 protein (p.Met195Thr). This variant is present in population databases (no rsID available, gnomAD 0.006%). This missense change has been observed in individual(s) with clinical features of autosomal recessive deafness (PMID: 19235794, 20233142). ClinVar contains an entry for this variant (Variation ID: 438620). Invitae Evidence Modeling of protein sequence and biophysical properties (such as structural, functional, and spatial information, amino acid conservation, physicochemical variation, residue mobility, and thermodynamic stability) indicates that this missense variant is expected to disrupt GJB2 protein function with a positive predictive value of 95%. Experimental studies have shown that this missense change affects GJB2 function (PMID: 23967136). This variant disrupts the p.Met195 amino acid residue in GJB2. Other variant(s) that disrupt this residue have been determined to be pathogenic (PMID: 20497192, 24013081, 30146550, 33597575). This suggests that this residue is clinically significant, and that variants that disrupt this residue are likely to be disease-causing. In summary, the currently available evidence indicates that the variant is pathogenic, but additional data are needed to prove that conclusively. Therefore, this variant has been classified as Likely Pathogenic.

Myriad Genetics, Inc.
Classification: Likely pathogenic for Nonsyndromic genetic hearing loss. Last evaluated: 2025-02-03. Review status: criteria provided, single submitter. Criteria: Myriad Autosomal Dominant, Autosomal Recessive and X-Linked Classification Criteria (2023). Collection method: clinical testing. Allele origin: unknown. Not counted in ClinVar's aggregate classification.
Comment: NM_004004.5(GJB2):c.584T>C(M195T) is a missense variant classified as likely pathogenic in the context of GJB2-related DFNB1 nonsyndromic hearing loss and deafness. M195T has been observed in cases with relevant disease (PMID: 19235794, 20233142). Relevant functional assessments of this variant are available in the literature (PMID: 23967136). Internal structural analysis of the variant is supportive of pathogenicity. M195T has been observed in referenced population frequency databases. In summary, NM_004004.5(GJB2):c.584T>C(M195T) is a missense variant that has both functional and internal structural support for pathogenicity and has been observed more frequently in cases with the relevant disease than in healthy populations. Please note: this variant was assessed in the context of healthy population screening.

Fulgent Genetics
Classification: Likely pathogenic for Mutilating keratoderma; Autosomal dominant keratitis-ichthyosis-hearing loss syndrome; Palmoplantar keratoderma-deafness syndrome; Knuckle pads, deafness AND leukonychia syndrome; Autosomal recessive nonsyndromic hearing loss 1A; Autosomal dominant nonsyndromic hearing loss 3A. Last evaluated: 2024-02-07. Review status: criteria provided, single submitter. Criteria: ACMG Guidelines, 2015. Collection method: clinical testing. Allele origin: germline. Not counted in ClinVar's aggregate classification.

Women's Health and Genetics/Laboratory Corporation of America, LabCorp
Classification: Uncertain significance. Last evaluated: 2023-09-13. Review status: criteria provided, single submitter. Criteria: LabCorp Variant Classification Summary - May 2015. Collection method: clinical testing. Allele origin: germline. Not counted in ClinVar's aggregate classification.
Comment: Variant summary: GJB2 c.584T>C (p.Met195Thr) results in a non-conservative amino acid change located in the Gap junction protein, cysteine-rich domain (IPR019570) of the encoded protein sequence. This alters a highly conserved residue in which other missense variants have been found in association with hearing loss (HGMD). Five of five in-silico tools predict a damaging effect of the variant on protein function. The variant allele was found at a frequency of 8e-06 in 251352 control chromosomes (gnomAD). c.584T>C has been reported in the literature in individuals affected with Non-Syndromic Hearing Loss without strong evidence of causality (Lee_2009, Chinetti_2010). These reports do not provide unequivocal conclusions about association of the variant with Non-Syndromic Hearing Loss. At least one publication reports experimental evidence evaluating an impact on protein function, funding no impact on gap junction formation or stability but substantially reduced function (Ambrosi_2013). The following publications have been ascertained in the context of this evaluation (PMID: 19235794, 23967136, 20233142). Three submitters have cited clinical-significance assessments for this variant to ClinVar after 2014, and classified it as uncertain significance (n=2) or likely benign (n=1). Based on the evidence outlined above, the variant was classified as VUS-possibly pathogenic.

Eurofins Ntd Llc (ga)
Classification: Uncertain significance. Last evaluated: 2017-12-26. Review status: criteria provided, single submitter. Criteria: EGL Classification Definitions 2015. Collection method: clinical testing. Allele origin: germline. Observed: 1 variant allele, 1 heterozygote. Not counted in ClinVar's aggregate classification.

Genomic Diagnostic Laboratory, Division of Genomic Diagnostics, Children's Hospital of Philadelphia
Classification: Uncertain significance for Deafness, autosomal recessive 1A. Last evaluated: 2017-05-09. Review status: criteria provided, single submitter. Criteria: DGD Variant Analysis Guidelines. Collection method: clinical testing. Allele origin: germline. Affected: yes. Observed: 1 variant allele. Not counted in ClinVar's aggregate classification.

Juno Genomics, Hangzhou Juno Genomics, Inc
Classification: Likely pathogenic for Autosomal recessive nonsyndromic hearing loss 1A. Review status: criteria provided, single submitter. Criteria: ACMG Guidelines, 2015. Collection method: clinical testing. Allele origin: germline. Not counted in ClinVar's aggregate classification.
Comment: Absent from controls (or at extremely low frequency if recessive) in Genome Aggregation Database.;For recessive disorders, detected in trans with a pathogenic variant.;Well-established in vitro or in vivo functional studies supportive of a damaging effect on the gene or gene product.;Novel missense change at an amino acid residue where a different missense change determined to be pathogenic has been seen before.

Literature cited by the submitters: PubMed 19235794 (cited by 5 submitters); PubMed 20233142 (cited by 4 submitters); PubMed 23967136 (cited by 3 submitters); PubMed 20497192 (cited by Labcorp Genetics (formerly Invitae), Labcorp); PubMed 24013081 (cited by Labcorp Genetics (formerly Invitae), Labcorp); PubMed 30146550 (cited by Labcorp Genetics (formerly Invitae), Labcorp); PubMed 33597575 (cited by Labcorp Genetics (formerly Invitae), Labcorp).